The following is an entry in ClinVar:

Conditions:
Long QT syndrome 5 (LQT5). Identifiers: Orphanet 101016, Orphanet 768, MedGen C1867904, MONDO:0013372, OMIM 613695.

Submission:

Roden Lab, Vanderbilt University Medical Center
No classification provided (evidence only). Condition: Long QT syndrome 5. Review status: no classification provided. Collection method: in vitro. Allele origin: not applicable. Functional consequence: Effect on ion channel function.
ClinVar note: "not provided" was previously submitted as the classification for the variant. However, the classification appeared to be based only on an observation of functional data so it was converted to no classification on 2025-07-30.

NM_000219.6(KCNE1):c.107G>T (p.Arg36Leu)

Gene: KCNE1 (potassium voltage-gated channel subfamily E regulatory subunit 1; minus strand). Cytogenetic location: 21q22.12.
Variant type: single nucleotide variant.
Coding change: c.107G>T on transcript NM_000219.6 (MANE Select); coding-DNA position 107, G replaced by T.
Protein change: p.Arg36Leu; replaces arginine 36 with leucine.
Molecular consequence: missense variant.
Genome position (GRCh38, 1-based): chr21:34,449,528, C>A on the plus strand (G>T on the coding strand, the complement: KCNE1 is on the minus strand). VCF-style: chr21-34449528-C-A. GRCh37 (hg19) VCF-style: chr21-35821826-C-A.
Other names: c.107G>T, p.Arg36Leu (NM_001127668.4, NM_001127669.4, NM_001127670.4 and 4 more transcripts); short protein forms R36L.
Identifiers: ClinVar variation 3374067 (VCV003374067.2).